The following is an entry in ClinVar:

ClinVar aggregate classification (germline): Uncertain significance. Review status: criteria provided, multiple submitters, no conflicts (2 of 4 stars). 2 submissions from 2 submitters: Uncertain significance (2). Last evaluated 2024-10-10.

Allele frequency attached by ClinVar (database versions not stated): ExAC 0.00001; gnomAD 0.00001; gnomAD exomes 0.00001.
gnomAD v4.1: 10 of 1,612,798 alleles (0.00062%); highest among the groups gnomAD compares: Non-Finnish European, 0.00042%; no homozygotes.

Submissions (2):

Labcorp Genetics (formerly Invitae), Labcorp
Classification: Uncertain significance. Last evaluated: 2024-10-10. Review status: criteria provided, single submitter. Criteria: Invitae Variant Classification Sherloc (09022015). Collection method: clinical testing. Allele origin: germline.
Comment: This sequence change replaces threonine, which is neutral and polar, with isoleucine, which is neutral and non-polar, at codon 304 of the MME protein (p.Thr304Ile). This variant is present in population databases (rs1042290, gnomAD 0.01%). This variant has not been reported in the literature in individuals affected with MME-related conditions. ClinVar contains an entry for this variant (Variation ID: 1354324). Invitae Evidence Modeling of protein sequence and biophysical properties (such as structural, functional, and spatial information, amino acid conservation, physicochemical variation, residue mobility, and thermodynamic stability) indicates that this missense variant is not expected to disrupt MME protein function with a negative predictive value of 80%. In summary, the available evidence is currently insufficient to determine the role of this variant in disease. Therefore, it has been classified as a Variant of Uncertain Significance.

Blueprint Genetics
Classification: Uncertain significance. Last evaluated: 2022-08-05. Review status: criteria provided, single submitter. Criteria: ACMG Guidelines, 2015. Collection method: clinical testing. Allele origin: germline.

NM_007289.4(MME):c.911C>T (p.Thr304Ile)

Gene: MME (membrane metalloendopeptidase; plus strand). Cytogenetic location: 3q25.2.
Variant type: single nucleotide variant.
Coding change: c.911C>T on transcript NM_007289.4 (MANE Select); coding-DNA position 911, C replaced by T.
Protein change: p.Thr304Ile; replaces threonine 304 with isoleucine.
Molecular consequence: missense variant.
Genome position (GRCh38, 1-based): chr3:155,140,246, C>T. VCF-style: chr3-155140246-C-T. GRCh37 (hg19) VCF-style: chr3-154858035-C-T.
Other names: c.911C>T, p.Thr304Ile (NM_000902.5, NM_001354642.2, NM_001354643.1 and 2 more transcripts); short protein forms T304I.
Identifiers: ClinVar variation 1354324 (VCV001354324.9), dbSNP rs1042290, ClinGen allele CA2675321.
Genomic context (GRCh38, chr3:155,140,246, plus strand): 5'-CATAGGCTACGGCTAAACCTGAAGATCGAAATGATCCAATGCTTCTGTATAACAAGATGA[C>T]ATTGGCCCAGATCCAAAATAACTTTTCACTAGAGATCAATGGGAAGGTAAGTGGTAAGTT-3'
Protein context (NP_009220.2, residues 294-314): NDPMLLYNKM[Thr304Ile]LAQIQNNFSL